The following is an entry in ClinVar:

ClinVar aggregate classification (germline): Conflicting classifications of pathogenicity. Review status: criteria provided, conflicting classifications (1 of 4 stars). 6 submissions from 6 submitters: Likely pathogenic (3); Uncertain significance (3). Last evaluated 2025-12-22.

Conditions:
PKD1-related disorder. Also called: PKD1-related condition.
Polycystic kidney disease, adult type (PKD1). Also called: Polycystic Kidney, Autosomal Dominant; POLYCYSTIC KIDNEY DISEASE 1 WITH OR WITHOUT POLYCYSTIC LIVER DISEASE; POLYCYSTIC KIDNEY DISEASE, ADULT, TYPE I; Polycystic Kidney Disease 1, Autosomal Dominant; Polycystic kidney disease 1; Polycystic kidney disease 1, severe. Identifiers: MedGen C3149841, MONDO:0008263, OMIM 173900.

Submissions (6):

3billion
Classification: Uncertain significance for Polycystic kidney disease, adult type. Last evaluated: 2025-12-22. Review status: criteria provided, single submitter. Criteria: ACMG Guidelines, 2015. Collection method: clinical testing. Allele origin: germline. Affected: yes.
Comment: The variant is not observed in the gnomAD v4.1.0 dataset. Predicted Consequence/Location: Missense variant In silico tool predictions suggest damaging effect of the variant on gene or gene product [REVEL: 0.81 (>=0.6, sensitivity 0.68 and specificity 0.92); 3Cnet: 0.98 (> 0.75, sensitivity 0.96 and precision 0.92)]. Different missense changes at the same codon (p.Gly3818Ala, p.Gly3818Cys, p.Gly3818Ser, p.Gly3818Val) have been reported to be associated with PKD1-related disorder (ClinVar ID: VCV001255674, VCV003899964 /PMID: 23760289, 24611717, 30816285). Same nucleotide change resulting in same amino acid change has been previously reported to be associated with PKD1-related disorder (ClinVar ID: VCV000447952.6). However, the evidence of pathogenicity is insufficient at this time. Therefore, this variant is classified as VUS according to the recommendation of ACMG/AMP guideline.

Department of Pathology and Laboratory Medicine, Sinai Health System
Classification: Uncertain significance for Polycystic kidney disease, adult type. Last evaluated: 2024-10-07. Review status: criteria provided, single submitter. Criteria: ACMG Guidelines, 2015. Collection method: clinical testing. Allele origin: germline.

GeneDx
Classification: Uncertain significance. Last evaluated: 2021-03-30. Review status: criteria provided, single submitter. Criteria: GeneDx Variant Classification Process June 2021. Collection method: clinical testing. Allele origin: germline. Affected: yes.
Comment: Not observed in large population cohorts (Lek et al., 2016); In silico analysis supports that this missense variant has a deleterious effect on protein structure/function; This variant is associated with the following publications: (PMID: 30816285, 30333007, 27835667)

Blueprint Genetics
Classification: Likely pathogenic for PKD1-related disorders. Last evaluated: 2020-03-24. Review status: criteria provided, single submitter. Criteria: ACMG Guidelines, 2015. Collection method: clinical testing. Allele origin: germline. Affected: yes. Observed: 1 variant allele.

Fulgent Genetics
Classification: Likely pathogenic for Polycystic kidney disease, adult type. Last evaluated: 2018-10-31. Review status: criteria provided, single submitter. Criteria: ACMG Guidelines, 2015. Collection method: clinical testing. Allele origin: unknown.

Athena Diagnostics
Classification: Likely pathogenic. Last evaluated: 2017-05-01. Review status: criteria provided, single submitter. Criteria: Athena Diagnostics Criteria. Collection method: clinical testing. Allele origin: germline.

Literature cited by the submitters: PubMed 23760289 (cited by 3billion); PubMed 27835667 (cited by Athena Diagnostics).

NM_001009944.3(PKD1):c.11453G>A (p.Gly3818Asp)

Genes: PKD1 (polycystin 1, transient receptor potential channel interacting; minus strand), PKD1-AS1 (PKD1 antisense RNA 1; plus strand). Cytogenetic location: 16p13.3.
Variant type: single nucleotide variant.
Coding change: c.11453G>A on transcript NM_001009944.3 (MANE Select); coding-DNA position 11453, G replaced by A.
Protein change: p.Gly3818Asp; replaces glycine 3818 with aspartic acid.
Molecular consequence: missense variant.
Genome position (GRCh38, 1-based): chr16:2,091,865, C>T on the plus strand (G>A on the coding strand, the complement: PKD1 is on the minus strand). VCF-style: chr16-2091865-C-T. GRCh37 (hg19) VCF-style: chr16-2141866-C-T.
Other names: c.11450G>A, p.Gly3817Asp (NM_000296.4); short protein forms G3817D, G3818D.
Identifiers: ClinVar variation 447952 (VCV000447952.8), dbSNP rs1555445740, ClinGen allele CA394333210.